The following is an entry in ClinVar:

NM_001429.4(EP300):c.7104C>G (p.Asp2368Glu)

Gene: EP300 (E1A binding protein p300; plus strand). Cytogenetic location: 22q13.2.
Variant type: single nucleotide variant.
Coding change: c.7104C>G on transcript NM_001429.4 (MANE Select); coding-DNA position 7104, C replaced by G.
Protein change: p.Asp2368Glu; replaces aspartic acid 2368 with glutamic acid.
Molecular consequence: missense variant.
Genome position (GRCh38, 1-based): chr22:41,178,815, C>G. VCF-style: chr22-41178815-C-G. GRCh37 (hg19) VCF-style: chr22-41574819-C-G.
Other names: c.7026C>G, p.Asp2342Glu (NM_001362843.2); short protein forms D2342E, D2368E.
Identifiers: ClinVar variation 3376244 (VCV003376244.1).

ClinVar aggregate classification (germline): Uncertain significance (1 of 4 stars; one submission).

Conditions:
Menke-Hennekam syndrome 2 (MKHK2). Identifiers: MedGen C5193035, MONDO:0020769, OMIM 618333.

gnomAD v4.1: 37 of 1,614,174 alleles (0.0023%); highest among the groups gnomAD compares: Non-Finnish European, 0.0031%; no homozygotes.

Submission:

Pittsburgh Clinical Genomics Laboratory, University of Pittsburgh Medical Center
Classification: Uncertain significance for Menke-Hennekam syndrome 2. Last evaluated: 2021-07-30. Review status: criteria provided, single submitter. Criteria: ACMG Guidelines, 2015. Collection method: clinical testing. Allele origin: germline. Inheritance: Autosomal dominant inheritance. Affected: yes.
Comment: This sequence variant is a single nucleotide substitution (C>G) that results in an aspartic acid to glutamic acid amino acid change at position 2368 of the EP300 protein. This is a novel variant that is absent from control population datasets (gnomAD database) and databases of clinically annotated variants (ClinVar). Additiolly, this variant has not been observed in individuals with EP300-related disease in the literature, to our knowledge. Multiple bioinformatic tools predict that this variant would be tolerated; however, the Asp2368 residue is well conserved across the mammalian species examined. Functiol studies examining the effect of this variant on protein structure or activity have not been performed, to our knowledge. At this time, there is insufficient evidence to determine if this variant is pathogenic or benign. Therefore, we consider this to be a variant of uncertain significance. ACMG Criteria: BP4, PM2